The following is an entry in ClinVar:

NM_004415.4(DSP):c.3392G>C (p.Arg1131Thr)

Gene: DSP (desmoplakin; plus strand). Cytogenetic location: 6p24.3.
Variant type: single nucleotide variant.
Coding change: c.3392G>C on transcript NM_004415.4 (MANE Select); coding-DNA position 3392, G replaced by C.
Protein change: p.Arg1131Thr; replaces arginine 1131 with threonine.
Molecular consequence: missense variant.
Genome position (GRCh38, 1-based): chr6:7,579,582, G>C. VCF-style: chr6-7579582-G-C. GRCh37 (hg19) VCF-style: chr6-7579815-G-C.
Other names: c.3392G>C, p.Arg1131Thr (NM_001008844.3, NM_001319034.2); short protein forms R1131T.
Identifiers: ClinVar variation 228638 (VCV000228638.5), dbSNP rs876657794, ClinGen allele CA10576697.
Genomic context (GRCh38, chr6:7,579,582, plus strand): 5'-TCACCCGACTGACTTATGAGATTGAAGATGAAAAGAGAAGAAGAAAATCTGTGGAAGACA[G>C]ATTTGACCAACAGAAGAATGACTATGACCAACTGCAGAAAGCAAGGCAATGTGAAAAGGA-3'
Protein context (NP_004406.2, residues 1121-1141): EKRRRKSVED[Arg1131Thr]FDQQKNDYDQ

ClinVar aggregate classification (germline): Uncertain significance (1 of 4 stars; one submission).

Submission:

Laboratory for Molecular Medicine, Mass General Brigham Personalized Medicine
Classification: Uncertain significance. Last evaluated: 2022-04-05. Review status: criteria provided, single submitter. Criteria: ACMG Guidelines, 2015. Collection method: clinical testing. Allele origin: germline.
Comment: The p.Arg1131Thr variant in DSP has not been previously reported in individuals with cardiomyopathy or other DSP-associated conditions nor in large population studies. Computational prediction tools and conservation analyses suggest that this variant may impact the protein, though this information is not predictive enough to determine pathogenicity. In summary, the clinical significance of this variant is uncertain. ACMG/AMP Criteria applied: PM2_Supporting, PP3.